The following is an entry in ClinVar:

NM_001378609.3(OTOGL):c.6578A>T (p.Lys2193Ile)

Gene: OTOGL (otogelin like; plus strand). Cytogenetic location: 12q21.31.
Variant type: single nucleotide variant.
Coding change: c.6578A>T on transcript NM_001378609.3 (MANE Select); coding-DNA position 6578, A replaced by T.
Protein change: p.Lys2193Ile; replaces lysine 2193 with isoleucine.
Molecular consequence: missense variant.
Genome position (GRCh38, 1-based): chr12:80,368,272, A>T. VCF-style: chr12-80368272-A-T. GRCh37 (hg19) VCF-style: chr12-80762052-A-T.
Other names: c.6443A>T, p.Lys2148Ile (NM_001368062.3); c.6578A>T, p.Lys2193Ile (NM_001378610.3, NM_173591.7); short protein forms K2148I, K2193I.
Identifiers: ClinVar variation 1364040 (VCV001364040.8), dbSNP rs1209843746, ClinGen allele CA385858904.
Genomic context (GRCh38, chr12:80,368,272, plus strand): 5'-TATATACTCCATCCCCAAGTGATTATGGTTGTTGTGGTACCTGCAAAAATGTATCCTGCA[A>T]ATTTCACATGGAAAATGGAACATCAGTTGTATACGCGGTATGTTTCATGGAGAGTAATGC-3'
Protein context (NP_001365538.2, residues 2183-2203): CCGTCKNVSC[Lys2193Ile]FHMENGTSVV

ClinVar aggregate classification (germline): Uncertain significance (1 of 4 stars; one submission).

Allele frequency attached by ClinVar (database versions not stated): TOPMed below 0.00001; gnomAD 0.00001; gnomAD exomes 0.00001.
gnomAD v4.1: 4 of 1,600,864 alleles (0.00025%); highest among the groups gnomAD compares: Admixed American, 0.0068%; no homozygotes.

Submission:

Labcorp Genetics (formerly Invitae), Labcorp
Classification: Uncertain significance. Last evaluated: 2023-08-04. Review status: criteria provided, single submitter. Criteria: Invitae Variant Classification Sherloc (09022015). Collection method: clinical testing. Allele origin: germline.
Comment: An algorithm developed to predict the effect of missense changes on protein structure and function (PolyPhen-2) suggests that this variant is likely to be tolerated. ClinVar contains an entry for this variant (Variation ID: 1364040). This variant has not been reported in the literature in individuals affected with OTOGL-related conditions. This variant is present in population databases (no rsID available, gnomAD 0.009%). This sequence change replaces lysine, which is basic and polar, with isoleucine, which is neutral and non-polar, at codon 2184 of the OTOGL protein (p.Lys2184Ile). In summary, the available evidence is currently insufficient to determine the role of this variant in disease. Therefore, it has been classified as a Variant of Uncertain Significance.